The following is an entry in ClinVar:

NM_001018005.2(TPM1):c.*8T>C

Gene: TPM1 (tropomyosin 1; plus strand). Cytogenetic location: 15q22.2.
Variant type: single nucleotide variant.
Coding change: c.*8T>C on transcript NM_001018005.2 (MANE Select); 8 bases downstream of the stop codon, T replaced by C.
Molecular consequence: 3 prime UTR variant. On other transcripts: missense variant (2), intron variant (10).
Genome position (GRCh38, 1-based): chr15:63,065,907, T>C. VCF-style: chr15-63065907-T-C. GRCh37 (hg19) VCF-style: chr15-63358106-T-C.
Other names: c.*56T>C (NM_000366.6, NM_001365779.1); c.*8T>C (NM_001301244.2, NM_001330346.2); c.784T>C, p.Cys262Arg (NM_001365777.1); c.676T>C, p.Cys226Arg (NM_001365780.1); c.*1761T>C (NM_001365781.2, NM_001365782.1); c.898+3262T>C (NM_001365778.1); c.772+3262T>C (NM_001018020.2, NM_001018007.2, NM_001018006.2 and 2 more transcripts); c.664+3262T>C (NM_001330351.2, NM_001330344.2, NM_001018008.2 and 1 more transcripts); short protein forms C226R, C262R.
Identifiers: ClinVar variation 1309184 (VCV001309184.2), dbSNP rs2141012454, ClinGen allele CA2573054059.

ClinVar aggregate classification (germline): Uncertain significance (1 of 4 stars; one submission).

Submission:

GeneDx
Classification: Uncertain significance. Last evaluated: 2019-10-09. Review status: criteria provided, single submitter. Criteria: GeneDx Variant Classification Process June 2021. Collection method: clinical testing. Allele origin: germline. Affected: yes.
Comment: Has not been previously published as pathogenic or benign to our knowledge; Not observed in large population cohorts (Lek et al., 2016); 3' intronic nucleotide substitution; this region tolerates variation and lacks pathogenic variants